The following is an entry in ClinVar:

NM_139321.3(ATRN):c.1545C>T (p.Tyr515=)

Gene: ATRN (attractin; plus strand). Cytogenetic location: 20p13.
Variant type: single nucleotide variant.
Coding change: c.1545C>T on transcript NM_139321.3 (MANE Select); coding-DNA position 1545, C replaced by T.
Protein change: p.Tyr515=; no amino-acid change (tyrosine 515 retained).
Molecular consequence: synonymous variant.
Genome position (GRCh38, 1-based): chr20:3,562,373, C>T. VCF-style: chr20-3562373-C-T. GRCh37 (hg19) VCF-style: chr20-3543020-C-T.
Other names: c.1545C>T (NM_139321.2); c.1197C>T, p.Tyr399= (NM_001207047.3); c.1545C>T, p.Tyr515= (NM_001323332.2, NM_139322.4).
Identifiers: ClinVar variation 1594815 (VCV001594815.10), dbSNP rs143113044, ClinGen allele CA9744078.
Genomic context (GRCh38, chr20:3,562,373, plus strand): 5'-CCTTGTGCAAGGGGGTTACGGCCATAGCAGTGTTTACGACCATAGGACCAGGGCCCTATA[C>T]GTTCATGGTGGCTACAAGGCTTTCAGTGCCAATAAGTACCGGCTTGCAGATGATCTCTAC-3'
Protein context (NP_647537.1, residues 505-525): SVYDHRTRAL[Tyr515=]VHGGYKAFSA

ClinVar aggregate classification (germline): Likely benign. Review status: criteria provided, single submitter (1 of 4 stars). 2 submissions from 2 submitters: Likely benign (1). 1 of the submissions does not count toward it. Last evaluated 2024-12-02.

Conditions:
ATRN-related disorder. Also called: ATRN-related condition.

Allele frequency attached by ClinVar (database versions not stated): gnomAD exomes 0.00008 and 0.00025; ExAC 0.00020; gnomAD 0.00025; TOPMed 0.00036; ESP Exome Variant Server 0.00046.
gnomAD v4.1: 151 of 1,614,094 alleles (0.0094%); highest among the groups gnomAD compares: Admixed American, 0.15%; 2 homozygotes.

Submissions (2):

Labcorp Genetics (formerly Invitae), Labcorp
Classification: Likely benign. Last evaluated: 2024-12-02. Review status: criteria provided, single submitter. Criteria: Invitae Variant Classification Sherloc (09022015). Collection method: clinical testing. Allele origin: germline.

PreventionGenetics, part of Exact Sciences
Classification: Likely benign for ATRN-related condition. Last evaluated: 2019-02-20. Review status: no assertion criteria provided. Collection method: clinical testing. Allele origin: germline. Not counted in ClinVar's aggregate classification.
Comment: This variant is classified as likely benign based on ACMG/AMP sequence variant interpretation guidelines (Richards et al. 2015 PMID: 25741868, with internal and published modifications).